The following is an entry in ClinVar:

ClinVar aggregate classification (germline): Uncertain significance (1 of 4 stars; one submission).

Submission:

Ambry Genetics
Classification: Uncertain significance. Last evaluated: 2024-07-02. Review status: criteria provided, single submitter. Criteria: Ambry Variant Classification Scheme 2023. Collection method: clinical testing. Allele origin: germline.
Comment: The p.C641S variant (also known as c.1921T>A), located in coding exon 17 of the BUB1 gene, results from a T to A substitution at nucleotide position 1921. The cysteine at codon 641 is replaced by serine, an amino acid with dissimilar properties. This amino acid position is conserved. In addition, this alteration is predicted to be tolerated by in silico analysis. Based on the available evidence, the clinical significance of this variant remains unclear.

NM_004336.5(BUB1):c.1921T>A (p.Cys641Ser)

Gene: BUB1 (BUB1 mitotic checkpoint serine/threonine kinase; minus strand). Cytogenetic location: 2q13.
Variant type: single nucleotide variant.
Coding change: c.1921T>A on transcript NM_004336.5 (MANE Select); coding-DNA position 1921, T replaced by A.
Protein change: p.Cys641Ser; replaces cysteine 641 with serine.
Molecular consequence: missense variant.
Genome position (GRCh38, 1-based): chr2:110,653,479, A>T on the plus strand (T>A on the coding strand, the complement: BUB1 is on the minus strand). VCF-style: chr2-110653479-A-T. GRCh37 (hg19) VCF-style: chr2-111411056-A-T.
Other names: c.1861T>A, p.Cys621Ser (NM_001278616.2); c.1921T>A, p.Cys641Ser (NM_001278617.2); short protein forms C621S, C641S.
Identifiers: ClinVar variation 3483017 (VCV003483017.1).
Genomic context (GRCh38, chr2:110,653,479, plus strand): 5'-ATAAACCCTCACAATACCTGAATTTTCCATCCCTTGAAGGCACCACCATGTTTTCCTCAC[A>T]AGAATCCAAAGTCGCCTGGGTACACTGTTTTGCTACCACATTTTCTGAAAGATTCAAAAA-3'
Protein context (NP_004327.1, residues 631-651): KQCTQATLDS[Cys641Ser]EENMVVPSRD